The following is an entry in ClinVar:

NM_000288.4(PEX7):c.701C>T (p.Pro234Leu)

Gene: PEX7 (peroxisomal biogenesis factor 7; plus strand). Cytogenetic location: 6q23.3.
Variant type: single nucleotide variant.
Coding change: c.701C>T on transcript NM_000288.4 (MANE Select); coding-DNA position 701, C replaced by T.
Protein change: p.Pro234Leu; replaces proline 234 with leucine.
Molecular consequence: missense variant.
Genome position (GRCh38, 1-based): chr6:136,869,957, C>T. VCF-style: chr6-136869957-C-T. GRCh37 (hg19) VCF-style: chr6-137191095-C-T.
Other names: short protein forms P234L.
Identifiers: ClinVar variation 1038000 (VCV001038000.4), dbSNP rs759158962, ClinGen allele CA4017698.
Genomic context (GRCh38, chr6:136,869,957, plus strand): 5'-TGGTGACCGGGGCGGTTGACTGTAGTTTGAGAGGCTGGGACTTAAGGAATGTACGACAAC[C>T]AGTGTTTGAACTTCTTGGTCATACCTATGCTATTAGGAGGGTGAAAGTAAGTTTTCATCT-3'
Protein context (NP_000279.1, residues 224-244): RGWDLRNVRQ[Pro234Leu]VFELLGHTYA

ClinVar aggregate classification (germline): Uncertain significance. Review status: criteria provided, multiple submitters, no conflicts (2 of 4 stars). 3 submissions from 3 submitters: Uncertain significance (2). 1 of the submissions does not count toward it. Last evaluated 2024-02-15.

Conditions:
Rhizomelic chondrodysplasia punctata (RCDP). Identifiers: Orphanet 177, MedGen C0282529, MONDO:0015776. Disease mechanism: loss of function.
Peroxisome biogenesis disorder 9B. Also called: PEROXISOME BIOGENESIS DISORDER, PEX7-RELATED, ATYPICAL; PEX7-Related Refsum Disease; Refsum disease, adult, 2. Identifiers: Orphanet 773, MedGen C2749346, MONDO:0013945, OMIM 614879.

Allele frequency attached by ClinVar (database versions not stated): gnomAD 0.00001; gnomAD exomes 0.00001 and 0.00002; ExAC 0.00002; TOPMed 0.00003.
gnomAD v4.1: 28 of 1,613,880 alleles (0.0017%); highest among the groups gnomAD compares: Non-Finnish European, 0.0024%; no homozygotes.

Submissions (3):

Blueprint Genetics
Classification: Uncertain significance. Last evaluated: 2024-02-15. Review status: criteria provided, single submitter. Criteria: ACMG Guidelines, 2015. Collection method: clinical testing. Allele origin: germline.

Labcorp Genetics (formerly Invitae), Labcorp
Classification: Uncertain significance for Peroxisome biogenesis disorder 9B. Last evaluated: 2022-08-22. Review status: criteria provided, single submitter. Criteria: Invitae Variant Classification Sherloc (09022015). Collection method: clinical testing. Allele origin: germline.
Comment: This sequence change replaces proline, which is neutral and non-polar, with leucine, which is neutral and non-polar, at codon 234 of the PEX7 protein (p.Pro234Leu). This variant is present in population databases (rs759158962, gnomAD 0.004%). This variant has not been reported in the literature in individuals affected with PEX7-related conditions. ClinVar contains an entry for this variant (Variation ID: 1038000). Algorithms developed to predict the effect of missense changes on protein structure and function are either unavailable or do not agree on the potential impact of this missense change (SIFT: "Tolerated"; PolyPhen-2: "Probably Damaging"; Align-GVGD: "Class C0"). In summary, the available evidence is currently insufficient to determine the role of this variant in disease. Therefore, it has been classified as a Variant of Uncertain Significance.

Natera, Inc.
Classification: Uncertain significance for Rhizomelic Chondrodysplasia Punctata. Last evaluated: 2020-10-05. Review status: no assertion criteria provided. Collection method: clinical testing. Allele origin: germline. Not counted in ClinVar's aggregate classification.